The following is an entry in ClinVar:

NM_001605.3(AARS1):c.443C>T (p.Ala148Val)

Gene: AARS1 (alanyl-tRNA synthetase 1; minus strand). Cytogenetic location: 16q22.1.
Variant type: single nucleotide variant.
Coding change: c.443C>T on transcript NM_001605.3 (MANE Select); coding-DNA position 443, C replaced by T.
Protein change: p.Ala148Val; replaces alanine 148 with valine.
Molecular consequence: missense variant.
Genome position (GRCh38, 1-based): chr16:70,276,522, G>A on the plus strand (C>T on the coding strand, the complement: AARS1 is on the minus strand). VCF-style: chr16-70276522-G-A. GRCh37 (hg19) VCF-style: chr16-70310425-G-A.
Other names: short protein forms A148V.
Identifiers: ClinVar variation 950838 (VCV000950838.9), dbSNP rs1960555053, ClinGen allele CA396568651.

ClinVar aggregate classification (germline): Uncertain significance (1 of 4 stars; one submission).

Conditions:
Charcot-Marie-Tooth disease type 2. Also called: Charcot-Marie-Tooth type 2. Identifiers: Orphanet 64746, MedGen C0270914, MONDO:0018993.

Submission:

Labcorp Genetics (formerly Invitae), Labcorp
Classification: Uncertain significance for Charcot-Marie-Tooth disease type 2. Last evaluated: 2019-07-26. Review status: criteria provided, single submitter. Criteria: Invitae Variant Classification Sherloc (09022015). Collection method: clinical testing. Allele origin: germline.
Comment: In summary, the available evidence is currently insufficient to determine the role of this variant in disease. Therefore, it has been classified as a Variant of Uncertain Significance. Algorithms developed to predict the effect of missense changes on protein structure and function are either unavailable or do not agree on the potential impact of this missense change (SIFT: "Deleterious"; PolyPhen-2: "Benign"; Align-GVGD: "Class C0"). This variant has not been reported in the literature in individuals with AARS-related conditions. This variant is not present in population databases (ExAC no frequency). This sequence change replaces alanine with valine at codon 148 of the AARS protein (p.Ala148Val). The alanine residue is weakly conserved and there is a small physicochemical difference between alanine and valine.